The following is an entry in ClinVar:

ClinVar aggregate classification (germline): Likely benign. Review status: criteria provided, multiple submitters, no conflicts (2 of 4 stars). 2 submissions from 2 submitters: Likely benign (2). Last evaluated 2026-04-01.

Allele frequency attached by ClinVar (database versions not stated): gnomAD exomes 0.00004; TOPMed 0.00005; ESP Exome Variant Server 0.00008; ExAC 0.00002; gnomAD 0.00002.
gnomAD v4.1: 68 of 1,612,706 alleles (0.0042%); highest among the groups gnomAD compares: Non-Finnish European, 0.0053%; no homozygotes.

Submissions (2):

CeGaT Center for Human Genetics Tuebingen
Classification: Likely benign. Last evaluated: 2026-04-01. Review status: criteria provided, single submitter. Criteria: CeGaT Center For Human Genetics Tuebingen Variant Classification Criteria Version 2. Collection method: clinical testing. Allele origin: germline. Affected: yes. Observed: 2 variant alleles.
Comment: KAT6A: BP4, BP7

Labcorp Genetics (formerly Invitae), Labcorp
Classification: Likely benign. Last evaluated: 2022-11-04. Review status: criteria provided, single submitter. Criteria: Invitae Variant Classification Sherloc (09022015). Collection method: clinical testing. Allele origin: germline.

NM_006766.5(KAT6A):c.1512A>G (p.Pro504=)

Gene: KAT6A (lysine acetyltransferase 6A; minus strand). Cytogenetic location: 8p11.21.
Variant type: single nucleotide variant.
Coding change: c.1512A>G on transcript NM_006766.5 (MANE Select); coding-DNA position 1512, A replaced by G.
Protein change: p.Pro504=; no amino-acid change (proline 504 retained).
Molecular consequence: synonymous variant.
Genome position (GRCh38, 1-based): chr8:41,955,382, T>C on the plus strand (A>G on the coding strand, the complement: KAT6A is on the minus strand). VCF-style: chr8-41955382-T-C. GRCh37 (hg19) VCF-style: chr8-41812900-T-C.
Other names: c.1512A>G, p.Pro504= (NM_001305878.2).
Identifiers: ClinVar variation 2173797 (VCV002173797.24), dbSNP rs200828764, ClinGen allele CA4730085.
Genomic context (GRCh38, chr8:41,955,382, plus strand): 5'-GGAGTACCAGGTGTGAATTTCATACTTCCCAAACTCAATGACAGAGGGACAGCGGACTTG[T>C]GGATCAGGGGGACCAGTCACTCCAACTTTCTGTGCAGTCAAGAAATACATTCAAAAGTTA-3'
Protein context (NP_006757.2, residues 494-514): QKVGVTGPPD[Pro504=]QVRCPSVIEF